The following is an entry in ClinVar:

ClinVar aggregate classification (germline): Uncertain significance. Review status: criteria provided, multiple submitters, no conflicts (2 of 4 stars). 5 submissions from 5 submitters: Uncertain significance (5). Last evaluated 2024-03-19.

Conditions:
Inborn genetic diseases. Identifiers: MedGen C0950123, MeSH D030342.
Autosomal recessive nonsyndromic hearing loss 66 (DFNB66). Also called: Deafness, autosomal recessive 66. Identifiers: Orphanet 90636, MedGen C1857750, MONDO:0012442, OMIM 610212.
Isolated neonatal sclerosing cholangitis (NSC). Also called: Sclerosing cholangitis, neonatal. Identifiers: Orphanet 480556, MedGen C4479344, MONDO:0018816, OMIM 617394.

Allele frequency attached by ClinVar (database versions not stated): gnomAD exomes 0.00002 and 0.00003; TOPMed 0.00003; gnomAD 0.00003; ExAC 0.00003.
gnomAD v4.1: 11 of 1,614,106 alleles (0.00068%); highest among the groups gnomAD compares: Admixed American, 0.018%; no homozygotes.

Submissions (5):

Mayo Clinic Laboratories, Mayo Clinic
Classification: Uncertain significance. Last evaluated: 2024-03-19. Review status: criteria provided, single submitter. Criteria: ACMG Guidelines, 2015. Collection method: clinical testing. Allele origin: germline. Observed: 1 variant allele.
Comment: BP4

Genetic Services Laboratory, University of Chicago
Classification: Uncertain significance. Last evaluated: 2023-04-04. Review status: criteria provided, single submitter. Criteria: ACMG Guidelines, 2015. Collection method: clinical testing. Allele origin: germline. Affected: no.
Comment: DNA sequence analysis of the DCDC2 gene demonstrated a sequence change, c.1100C>T, in exon 9 that results in an amino acid change, p.Ser367Leu. This sequence change has been described in the gnomAD database with a frequency of 0.023% in the Latino subpopulation (dbSNP rs757670255). The p.Ser367Leu change affects a moderately conserved amino acid residue located in a domain of the DCDC2 protein that is not known to be functional. The p.Ser367Leu substitution appears to be benign using several in-silico pathogenicity prediction tools (SIFT, PolyPhen2, Align GVGD, REVEL). This sequence change does not appear to have been previously described in individuals with DCDC2-related disorders. Due to insufficient evidences and the lack of functional studies, the clinical significance of the p.Ser367Leu change remains unknown at this time.

Labcorp Genetics (formerly Invitae), Labcorp
Classification: Uncertain significance for Autosomal recessive nonsyndromic hearing loss 66; Isolated neonatal sclerosing cholangitis. Last evaluated: 2022-03-18. Review status: criteria provided, single submitter. Criteria: Invitae Variant Classification Sherloc (09022015). Collection method: clinical testing. Allele origin: germline.
Comment: In summary, the available evidence is currently insufficient to determine the role of this variant in disease. Therefore, it has been classified as a Variant of Uncertain Significance. Algorithms developed to predict the effect of missense changes on protein structure and function output the following: SIFT: "Tolerated"; PolyPhen-2: "Benign"; Align-GVGD: "Class C0". The leucine amino acid residue is found in multiple mammalian species, which suggests that this missense change does not adversely affect protein function. ClinVar contains an entry for this variant (Variation ID: 502738). This variant has not been reported in the literature in individuals affected with DCDC2-related conditions. This variant is present in population databases (rs757670255, gnomAD 0.02%). This sequence change replaces serine, which is neutral and polar, with leucine, which is neutral and non-polar, at codon 367 of the DCDC2 protein (p.Ser367Leu).

Ambry Genetics
Classification: Uncertain significance for Inborn genetic diseases. Last evaluated: 2021-07-14. Review status: criteria provided, single submitter. Criteria: Ambry Variant Classification Scheme 2023. Collection method: clinical testing. Allele origin: germline.

Eurofins Ntd Llc (ga)
Classification: Uncertain significance. Last evaluated: 2018-07-09. Review status: criteria provided, single submitter. Criteria: EGL ClinVar v180209 classification definitions. Collection method: clinical testing. Allele origin: germline. Observed: 2 variant alleles, 2 heterozygotes.

NM_016356.5(DCDC2):c.1100C>T (p.Ser367Leu)

Gene: DCDC2 (doublecortin domain containing 2; minus strand). Cytogenetic location: 6p22.3.
Variant type: single nucleotide variant.
Coding change: c.1100C>T on transcript NM_016356.5 (MANE Select); coding-DNA position 1100, C replaced by T.
Protein change: p.Ser367Leu; replaces serine 367 with leucine.
Molecular consequence: missense variant.
Genome position (GRCh38, 1-based): chr6:24,178,556, G>A on the plus strand (C>T on the coding strand, the complement: DCDC2 is on the minus strand). VCF-style: chr6-24178556-G-A. GRCh37 (hg19) VCF-style: chr6-24178784-G-A.
Other names: p.Ser367Leu; c.1100C>T (NM_016356.3, NM_016356.4); c.1100C>T, p.Ser367Leu (NM_001195610.2); short protein forms S367L.
Identifiers: ClinVar variation 502738 (VCV000502738.14), dbSNP rs757670255, ClinGen allele CA3654512.